The following is an entry in ClinVar:

NM_005445.4(SMC3):c.2268+4C>T

Gene: SMC3 (structural maintenance of chromosomes 3; plus strand). Cytogenetic location: 10q25.2.
Variant type: single nucleotide variant.
Coding change: c.2268+4C>T on transcript NM_005445.4 (MANE Select); 4 bases into the intron after coding-DNA position 2268, C replaced by T.
Molecular consequence: intron variant.
Genome position (GRCh38, 1-based): chr10:110,598,294, C>T. VCF-style: chr10-110598294-C-T. GRCh37 (hg19) VCF-style: chr10-112358052-C-T.
Identifiers: ClinVar variation 159973 (VCV000159973.24), dbSNP rs587784426, ClinGen allele CA272614.
Genomic context (GRCh38, chr10:110,598,294, plus strand): 5'-GAAATGAAGATGCTAAAAGAGAAGAGGCAGCAGTCAGAGAAAACCTTCATGCCTAAGGTT[C>T]GTAAGTATATCTTTGGTTATAGATCGATTGTTACAGATTAATAATATGGAAATATGAATC-3'

ClinVar aggregate classification (germline): Conflicting classifications of pathogenicity. Review status: criteria provided, conflicting classifications (1 of 4 stars). 6 submissions from 6 submitters: Uncertain significance (1); Benign (2); Likely benign (3). Last evaluated 2026-08-01.

Conditions:
Inborn genetic diseases. Identifiers: MedGen C0950123, MeSH D030342.
Cornelia de Lange syndrome 3 (CDLS3). Also called: CORNELIA DE LANGE SYNDROME 3 WITH OR WITHOUT MIDLINE BRAIN DEFECTS; SMC3-Related Cornelia de Lange Syndrome. Identifiers: Orphanet 199, MedGen C1853099, MONDO:0012555, OMIM 610759.

Allele frequency attached by ClinVar (database versions not stated): gnomAD 0.00003 and 0.00004; gnomAD exomes 0.00005 and 0.00020; ExAC 0.00013; TOPMed 0.00014.
gnomAD v4.1: 81 of 1,612,374 alleles (0.005%); highest among the groups gnomAD compares: Admixed American, 0.093%; no homozygotes.

Submissions (6):

CeGaT Center for Human Genetics Tuebingen
Classification: Likely benign. Last evaluated: 2026-08-01. Review status: criteria provided, single submitter. Criteria: CeGaT Center For Human Genetics Tuebingen Variant Classification Criteria Version 2. Collection method: clinical testing. Allele origin: germline. Affected: yes. Observed: 1 variant allele.
Comment: SMC3: BP4, BS2

Labcorp Genetics (formerly Invitae), Labcorp
Classification: Likely benign for Cornelia de Lange syndrome 3. Last evaluated: 2025-10-01. Review status: criteria provided, single submitter. Criteria: Invitae Variant Classification Sherloc (09022015). Collection method: clinical testing. Allele origin: germline.

Athena Diagnostics
Classification: Benign. Last evaluated: 2025-01-31. Review status: criteria provided, single submitter. Criteria: Athena Diagnostics Criteria. Collection method: clinical testing. Allele origin: unknown.
Comment: The frequency of this variant in the general population is higher than would generally be expected for pathogenic variants in this gene.

Ambry Genetics
Classification: Benign for Inborn genetic diseases. Last evaluated: 2018-12-24. Review status: criteria provided, single submitter. Criteria: Ambry Variant Classification Scheme 2023. Collection method: clinical testing. Allele origin: germline.

Illumina Laboratory Services, Illumina
Classification: Likely benign for Cornelia de Lange syndrome 3. Last evaluated: 2018-01-13. Review status: criteria provided, single submitter. Criteria: ICSL Variant Classification Criteria 13 December 2019. Collection method: clinical testing. Allele origin: germline.
Comment: This variant was observed in the ICSL laboratory as part of a predisposition screen in an ostensibly healthy population. It had not been previously curated by ICSL or reported in the Human Gene Mutation Database (HGMD: prior to June 1st, 2018), and was therefore a candidate for classification through an automated scoring system. Utilizing variant allele frequency, disease prevalence and penetrance estimates, and inheritance mode, an automated score was calculated to assess if this variant is too frequent to cause the disease. Based on the score and internal cut-off values, a variant classified as likely benign is not then subjected to further curation. The score for this variant resulted in a classification of likely benign for this disease.

Genetic Services Laboratory, University of Chicago
Classification: Uncertain significance for Cornelia de Lange syndrome 3. Last evaluated: 2014-04-07. Review status: criteria provided, single submitter. Criteria: ACMG Guidelines, 2007. Collection method: clinical testing. Allele origin: germline. Inheritance: Autosomal dominant inheritance.